The following is an entry in ClinVar:

NM_000206.3(IL2RG):c.269+1G>A

Gene: IL2RG (interleukin 2 receptor subunit gamma; minus strand). Cytogenetic location: Xq13.1.
Variant type: single nucleotide variant.
Coding change: c.269+1G>A on transcript NM_000206.3 (MANE Select); the canonical splice donor site of the intron after coding-DNA position 269, G replaced by A.
Molecular consequence: splice donor variant.
Genome position (GRCh38, 1-based): chrX:71,110,896, C>T on the plus strand (G>A on the coding strand, the complement: IL2RG is on the minus strand). VCF-style: chrX-71110896-C-T. GRCh37 (hg19) VCF-style: chrX-70330746-C-T.
Identifiers: ClinVar variation 2673240 (VCV002673240.23), dbSNP rs2092262300, ClinGen allele CA413496956.

ClinVar aggregate classification (germline): Pathogenic (1 of 4 stars; one submission).

Submission:

CeGaT Center for Human Genetics Tuebingen
Classification: Pathogenic. Last evaluated: 2023-11-01. Review status: criteria provided, single submitter. Criteria: CeGaT Center For Human Genetics Tuebingen Variant Classification Criteria Version 2. Collection method: clinical testing. Allele origin: germline. Affected: yes. Observed: 1 variant allele.
Comment: IL2RG: PVS1, PM2